The following is an entry in ClinVar:

ClinVar aggregate classification (germline): Likely benign. Review status: criteria provided, multiple submitters, no conflicts (2 of 4 stars). 2 submissions from 2 submitters: Likely benign (2). Last evaluated 2026-08-01.

gnomAD v4.1: 11 of 1,614,008 alleles (0.00068%); highest among the groups gnomAD compares: Non-Finnish European, 0.00093%; no homozygotes.

Submissions (2):

CeGaT Center for Human Genetics Tuebingen
Classification: Likely benign. Last evaluated: 2026-08-01. Review status: criteria provided, single submitter. Criteria: CeGaT Center For Human Genetics Tuebingen Variant Classification Criteria Version 2. Collection method: clinical testing. Allele origin: germline. Affected: yes. Observed: 1 variant allele.
Comment: POLR3A: BP4, BP7

Labcorp Genetics (formerly Invitae), Labcorp
Classification: Likely benign. Last evaluated: 2024-09-04. Review status: criteria provided, single submitter. Criteria: Invitae Variant Classification Sherloc (09022015). Collection method: clinical testing. Allele origin: germline.

NM_007055.4(POLR3A):c.3720T>C (p.Gly1240=)

Gene: POLR3A (RNA polymerase III subunit A; minus strand). Cytogenetic location: 10q22.3.
Variant type: single nucleotide variant.
Coding change: c.3720T>C on transcript NM_007055.4 (MANE Select); coding-DNA position 3720, T replaced by C.
Protein change: p.Gly1240=; no amino-acid change (glycine 1240 retained).
Molecular consequence: synonymous variant.
Genome position (GRCh38, 1-based): chr10:77,982,193, A>G on the plus strand (T>C on the coding strand, the complement: POLR3A is on the minus strand). VCF-style: chr10-77982193-A-G. GRCh37 (hg19) VCF-style: chr10-79741951-A-G.
Identifiers: ClinVar variation 3684228 (VCV003684228.3).